The following is an entry in ClinVar:

NM_006073.4(TRDN):c.52G>C (p.Asp18His)

Gene: TRDN (triadin; minus strand). Cytogenetic location: 6q22.31.
Variant type: single nucleotide variant.
Coding change: c.52G>C on transcript NM_006073.4 (MANE Select); coding-DNA position 52, G replaced by C.
Protein change: p.Asp18His; replaces aspartic acid 18 with histidine.
Molecular consequence: missense variant.
Genome position (GRCh38, 1-based): chr6:123,571,103, C>G on the plus strand (G>C on the coding strand, the complement: TRDN is on the minus strand). VCF-style: chr6-123571103-C-G. GRCh37 (hg19) VCF-style: chr6-123892248-C-G.
Other names: c.52G>C, p.Asp18His (NM_001251987.2, NM_001256020.2, NM_001256021.2 and 1 more transcripts); short protein forms D18H.
Identifiers: ClinVar variation 1047042 (VCV001047042.12), dbSNP rs372554839, ClinGen allele CA3984488.
Genomic context (GRCh38, chr6:123,571,103, plus strand): 5'-CTGTGACTGTCCTCTTCAGCACTTTTCCGGGGGATTTGGGCACAGATCCATTTTTGCTGT[C>G]TATCACAGTTGTGGTTGTAGATGCATTTCCTAATCAAACATTCAGAAAGGAAAATATAAT-3'
Protein context (NP_006064.2, residues 8-28): GNASTTTTVI[Asp18His]SKNGSVPKSP

ClinVar aggregate classification (germline): Uncertain significance. Review status: criteria provided, multiple submitters, no conflicts (2 of 4 stars). 3 submissions from 3 submitters: Uncertain significance (3). Last evaluated 2025-06-30.

Conditions:
Cardiovascular phenotype. Identifiers: MedGen CN230736.
Catecholaminergic polymorphic ventricular tachycardia 5 (CARDAR). Also called: Ventricular tachycardia, catecholaminergic polymorphic, 5, with or without muscle weakness; CARDIAC ARRHYTHMIA SYNDROME, WITH OR WITHOUT SKELETAL MUSCLE WEAKNESS. Identifiers: Orphanet 3286, MedGen C3809536, MONDO:0014191, OMIM 615441.
Catecholaminergic polymorphic ventricular tachycardia 1. Also called: VENTRICULAR TACHYCARDIA, CATECHOLAMINERGIC POLYMORPHIC, 1, WITH OR WITHOUT ATRIAL DYSFUNCTION AND/OR DILATED CARDIOMYOPATHY; VENTRICULAR TACHYCARDIA, STRESS-INDUCED POLYMORPHIC 1; RYR2-Related Catecholaminergic Polymorphic Ventricular Tachycardia. Identifiers: Orphanet 3286, MedGen C1631597, MONDO:0011484, OMIM 604772.

Allele frequency attached by ClinVar (database versions not stated): ExAC 0.00002; gnomAD exomes 0.00002; gnomAD 0.00005; TOPMed 0.00005; ESP Exome Variant Server 0.00008.
gnomAD v4.1: 35 of 1,613,734 alleles (0.0022%); highest among the groups gnomAD compares: African/African-American, 0.0053%; 1 homozygote.

Submissions (3):

Ambry Genetics
Classification: Uncertain significance for Cardiovascular phenotype. Last evaluated: 2025-06-30. Review status: criteria provided, single submitter. Criteria: Ambry Variant Classification Scheme 2023. Collection method: clinical testing. Allele origin: germline.
Comment: The p.D18H variant (also known as c.52G>C), located in coding exon 2 of the TRDN gene, results from a G to C substitution at nucleotide position 52. The aspartic acid at codon 18 is replaced by histidine, an amino acid with similar properties. This amino acid position is well conserved in available vertebrate species. In addition, the in silico prediction for this alteration is inconclusive. Based on the available evidence, the clinical significance of this variant remains unclear.

ARUP Laboratories, Molecular Genetics and Genomics, ARUP Laboratories
Classification: Uncertain significance for Catecholaminergic polymorphic ventricular tachycardia 5. Last evaluated: 2025-06-25. Review status: criteria provided, single submitter. Criteria: ARUP Molecular Germline Variant Investigation Process 2024. Collection method: clinical testing. Allele origin: germline.
Comment: The TRDN c.52G>C; p.Asp18His variant (rs372554839), to our knowledge, is not reported in the medical literature but is reported in ClinVar (Variation ID: 1047042). This variant is found in the general population with an overall allele frequency of 0.002% (6/249,052 alleles) in the Genome Aggregation Database (v2.1.1). Computational analyses are uncertain whether this variant is neutral or deleterious (REVEL: 0.422). Due to limited information, the clinical significance of this variant is uncertain at this time.

Labcorp Genetics (formerly Invitae), Labcorp
Classification: Uncertain significance for Catecholaminergic polymorphic ventricular tachycardia 1. Last evaluated: 2022-06-07. Review status: criteria provided, single submitter. Criteria: Invitae Variant Classification Sherloc (09022015). Collection method: clinical testing. Allele origin: germline.
Comment: This sequence change replaces aspartic acid, which is acidic and polar, with histidine, which is basic and polar, at codon 18 of the TRDN protein (p.Asp18His). This variant is present in population databases (rs372554839, gnomAD 0.005%). This missense change has been observed in individual(s) with clinical features of TRDN-related conditions (PMID: 21520333). ClinVar contains an entry for this variant (Variation ID: 1047042). Algorithms developed to predict the effect of missense changes on protein structure and function are either unavailable or do not agree on the potential impact of this missense change (SIFT: "Deleterious"; PolyPhen-2: "Not Available"; Align-GVGD: "Class C0"). In summary, the available evidence is currently insufficient to determine the role of this variant in disease. Therefore, it has been classified as a Variant of Uncertain Significance.

Literature cited by the submitters: PubMed 21520333 (cited by Labcorp Genetics (formerly Invitae), Labcorp).